The following is an entry in ClinVar:

NM_006939.4(SOS2):c.70G>T (p.Val24Phe)

Genes: SOS2 (SOS Ras/Rho guanine nucleotide exchange factor 2; minus strand), LOC130055588 (ATAC-STARR-seq lymphoblastoid silent region 5718; plus strand). Cytogenetic location: 14q21.3.
Variant type: single nucleotide variant.
Coding change: c.70G>T on transcript NM_006939.4 (MANE Select); coding-DNA position 70, G replaced by T.
Protein change: p.Val24Phe; replaces valine 24 with phenylalanine.
Molecular consequence: missense variant.
Genome position (GRCh38, 1-based): chr14:50,231,214, C>A on the plus strand (G>T on the coding strand, the complement: SOS2 is on the minus strand). VCF-style: chr14-50231214-C-A. GRCh37 (hg19) VCF-style: chr14-50697932-C-A.
Other names: c.70G>T, p.Val24Phe (NM_001411020.1); short protein forms V24F.
Identifiers: ClinVar variation 1757179 (VCV001757179.3), dbSNP rs2503346760, ClinGen allele CA389657476.

ClinVar aggregate classification (germline): Uncertain significance. Review status: criteria provided, multiple submitters, no conflicts (2 of 4 stars). 2 submissions from 2 submitters: Uncertain significance (2). Last evaluated 2024-02-01.

Conditions:
Cardiovascular phenotype. Identifiers: MedGen CN230736.

Allele frequency attached by ClinVar (database versions not stated): gnomAD exomes below 0.00001.

Submissions (2):

GeneDx
Classification: Uncertain significance. Last evaluated: 2024-02-01. Review status: criteria provided, single submitter. Criteria: GeneDx Variant Classification Process June 2021. Collection method: clinical testing. Allele origin: germline. Affected: yes.
Comment: Not observed at significant frequency in large population cohorts (gnomAD); In silico analysis supports that this missense variant has a deleterious effect on protein structure/function; Has not been previously published as pathogenic or benign to our knowledge

Ambry Genetics
Classification: Uncertain significance for Cardiovascular phenotype. Last evaluated: 2021-11-09. Review status: criteria provided, single submitter. Criteria: Ambry Variant Classification Scheme 2023. Collection method: clinical testing. Allele origin: germline.
Comment: The p.V24F variant (also known as c.70G>T), located in coding exon 1 of the SOS2 gene, results from a G to T substitution at nucleotide position 70. The valine at codon 24 is replaced by phenylalanine, an amino acid with highly similar properties. This amino acid position is conserved. In addition, this alteration is predicted to be deleterious by in silico analysis. Since supporting evidence is limited at this time, the clinical significance of this alteration remains unclear.